The following is an entry in ClinVar:

NM_006343.3(MERTK):c.5G>T (p.Gly2Val)

Gene: MERTK (MER proto-oncogene, tyrosine kinase; plus strand). Cytogenetic location: 2q13.
Variant type: single nucleotide variant.
Coding change: c.5G>T on transcript NM_006343.3 (MANE Select); coding-DNA position 5, G replaced by T.
Protein change: p.Gly2Val; replaces glycine 2 with valine.
Molecular consequence: missense variant.
Genome position (GRCh38, 1-based): chr2:111,898,740, G>T. VCF-style: chr2-111898740-G-T. GRCh37 (hg19) VCF-style: chr2-112656317-G-T.
Other names: short protein forms G2V.
Identifiers: ClinVar variation 1481659 (VCV001481659.7), dbSNP rs1424907891, ClinGen allele CA348232464.
Genomic context (GRCh38, chr2:111,898,740, plus strand): 5'-CGGGACGTCCATCTGTCCATCCGTCCGGAGAGAAATTACAGATCCGCAGCCCCGGGATGG[G>T]GCCGGCCCCGCTGCCGCTGCTGCTGGGCCTCTTCCTCCCCGCGCTCTGGCGTAGAGGTGA-3'
Protein context (NP_006334.2, residues 1-12): M[Gly2Val]PAPLPLLLGL

ClinVar aggregate classification (germline): Uncertain significance. Review status: criteria provided, multiple submitters, no conflicts (2 of 4 stars). 2 submissions from 2 submitters: Uncertain significance (2). Last evaluated 2022-08-01.

Allele frequency attached by ClinVar (database versions not stated): gnomAD 0.00001; gnomAD exomes 0.00001 and 0.00003.
gnomAD v4.1: 49 of 1,606,320 alleles (0.0031%); highest among the groups gnomAD compares: Non-Finnish European, 0.0042%; no homozygotes.

Submissions (2):

Labcorp Genetics (formerly Invitae), Labcorp
Classification: Uncertain significance. Last evaluated: 2022-08-01. Review status: criteria provided, single submitter. Criteria: Invitae Variant Classification Sherloc (09022015). Collection method: clinical testing. Allele origin: germline.
Comment: Algorithms developed to predict the effect of missense changes on protein structure and function output the following: SIFT: "Deleterious"; PolyPhen-2: "Not Available"; Align-GVGD: "Class C0". The valine amino acid residue is found in multiple mammalian species, which suggests that this missense change does not adversely affect protein function. ClinVar contains an entry for this variant (Variation ID: 1481659). This variant has not been reported in the literature in individuals affected with MERTK-related conditions. The frequency data for this variant in the population databases is considered unreliable, as metrics indicate poor data quality at this position in the gnomAD database. This sequence change replaces glycine, which is neutral and non-polar, with valine, which is neutral and non-polar, at codon 2 of the MERTK protein (p.Gly2Val). Algorithms developed to predict the effect of sequence changes on RNA splicing suggest that this variant may create or strengthen a splice site. In summary, the available evidence is currently insufficient to determine the role of this variant in disease. Therefore, it has been classified as a Variant of Uncertain Significance.

Blueprint Genetics
Classification: Uncertain significance. Last evaluated: 2021-06-10. Review status: criteria provided, single submitter. Criteria: ACMG Guidelines, 2015. Collection method: clinical testing. Allele origin: germline.